The following is an entry in ClinVar:

NM_001267550.2(TTN):c.39211+8C>T

Gene: TTN (titin; minus strand). Cytogenetic location: 2q31.2.
Variant type: single nucleotide variant.
Coding change: c.39211+8C>T on transcript NM_001267550.2 (MANE Select); 8 bases into the intron after coding-DNA position 39211, C replaced by T.
Molecular consequence: intron variant.
Genome position (GRCh38, 1-based): chr2:178,652,256, G>A on the plus strand (C>T on the coding strand, the complement: TTN is on the minus strand). VCF-style: chr2-178652256-G-A. GRCh37 (hg19) VCF-style: chr2-179516983-G-A.
Other names: c.13283-9939C>T (NM_003319.4); c.13859-9939C>T (NM_133437.4); c.13658-9939C>T (NM_133432.3); c.31909+8C>T (NM_133378.4); c.34690+8C>T (NM_001256850.1).
Identifiers: ClinVar variation 1576354 (VCV001576354.9), dbSNP rs778828307, ClinGen allele CA1996828.

ClinVar aggregate classification (germline): Likely benign. Review status: criteria provided, multiple submitters, no conflicts (2 of 4 stars). 2 submissions from 2 submitters: Likely benign (2). Last evaluated 2026-02-03.

Conditions:
Dilated cardiomyopathy 1G (CMD1G). Identifiers: Orphanet 154, MedGen C1858763, MONDO:0011400, OMIM 604145.
Autosomal recessive limb-girdle muscular dystrophy type 2J (LGMDR10). Also called: Limb-girdle muscular dystrophy, type 2J; MUSCULAR DYSTROPHY, LIMB-GIRDLE, AUTOSOMAL RECESSIVE 10. Identifiers: Orphanet 140922, MedGen C1837342, MONDO:0012127, OMIM 608807.
TTN-related disorder. Also called: TTN-related disorders; TTN-related condition; TTN-related disease.

Allele frequency attached by ClinVar (database versions not stated): gnomAD exomes 0.00010; ExAC 0.00012.
gnomAD v4.1: 43 of 1,613,468 alleles (0.0027%); highest among the groups gnomAD compares: South Asian, 0.043%; no homozygotes.

Submissions (2):

Labcorp Genetics (formerly Invitae), Labcorp
Classification: Likely benign for Dilated cardiomyopathy 1G; Autosomal recessive limb-girdle muscular dystrophy type 2J. Last evaluated: 2026-02-03. Review status: criteria provided, single submitter. Criteria: Invitae Variant Classification Sherloc (09022015). Collection method: clinical testing. Allele origin: germline.

PreventionGenetics, part of Exact Sciences
Classification: Likely benign for TTN-related condition. Last evaluated: 2025-05-25. Review status: criteria provided, single submitter. Criteria: ACMG Guidelines, 2015. Collection method: clinical testing. Allele origin: germline.
Comment: This variant is classified as likely benign based on ACMG/AMP sequence variant interpretation guidelines (Richards et al. 2015 PMID: 25741868, with internal and published modifications).